The following is an entry in ClinVar:

ClinVar aggregate classification (germline): Uncertain significance (1 of 4 stars; one submission).

Conditions:
Specific granule deficiency. Identifiers: Orphanet 169142, MedGen C0398593, MONDO:0009506.

Submission:

Labcorp Genetics (formerly Invitae), Labcorp
Classification: Uncertain significance for Specific granule deficiency. Last evaluated: 2018-06-23. Review status: criteria provided, single submitter. Criteria: Invitae Variant Classification Sherloc (09022015). Collection method: clinical testing. Allele origin: germline.
Comment: This variant is not present in population databases (ExAC no frequency). This sequence change replaces alanine with threonine at codon 117 of the CEBPE protein (p.Ala117Thr). The alanine residue is highly conserved and there is a small physicochemical difference between alanine and threonine. This variant has not been reported in the literature in individuals with CEBPE-related disease. In summary, the available evidence is currently insufficient to determine the role of this variant in disease. Therefore, it has been classified as a Variant of Uncertain Significance. Algorithms developed to predict the effect of missense changes on protein structure and function are either unavailable or do not agree on the potential impact of this missense change (SIFT: "Deleterious"; PolyPhen-2: "Benign"; Align-GVGD: "Class C0").

NM_001805.4(CEBPE):c.349G>A (p.Ala117Thr)

Gene: CEBPE (CCAAT enhancer binding protein epsilon; minus strand). Cytogenetic location: 14q11.2.
Variant type: single nucleotide variant.
Coding change: c.349G>A on transcript NM_001805.4 (MANE Select); coding-DNA position 349, G replaced by A.
Protein change: p.Ala117Thr; replaces alanine 117 with threonine.
Molecular consequence: missense variant.
Genome position (GRCh38, 1-based): chr14:23,118,743, C>T on the plus strand (G>A on the coding strand, the complement: CEBPE is on the minus strand). VCF-style: chr14-23118743-C-T. GRCh37 (hg19) VCF-style: chr14-23587952-C-T.
Other names: short protein forms A117T.
Identifiers: ClinVar variation 582470 (VCV000582470.10), dbSNP rs1566773537, ClinGen allele CA388953230.